The following is an entry in ClinVar:

NM_018979.4(WNK1):c.3278A>G (p.His1093Arg)

Gene: WNK1 (WNK lysine deficient protein kinase 1; plus strand). Cytogenetic location: 12p13.33.
Variant type: single nucleotide variant.
Coding change: c.3278A>G on transcript NM_018979.4 (MANE Select); coding-DNA position 3278, A replaced by G.
Protein change: p.His1093Arg; replaces histidine 1093 with arginine.
Molecular consequence: missense variant.
Genome position (GRCh38, 1-based): chr12:881,979, A>G. VCF-style: chr12-881979-A-G. GRCh37 (hg19) VCF-style: chr12-991145-A-G.
Other names: c.4058A>G, p.His1353Arg (NM_001184985.2); c.2537A>G, p.His846Arg (NM_014823.3); c.4034A>G, p.His1345Arg (NM_213655.5); short protein forms H1093R, H846R, H1345R, H1353R.
Identifiers: ClinVar variation 1426816 (VCV001426816.6), dbSNP rs1953206838, ClinGen allele CA383328070.

ClinVar aggregate classification (germline): Uncertain significance (1 of 4 stars; one submission).

Conditions:
Neuropathy, hereditary sensory and autonomic, type 2A (HSAN2A). Also called: ACROOSTEOLYSIS, GIACCAI TYPE; ACROOSTEOLYSIS, NEUROGENIC; MORVAN DISEASE; NEUROPATHY, CONGENITAL SENSORY; NEUROPATHY, HEREDITARY SENSORY RADICULAR, AUTOSOMAL RECESSIVE; NEUROPATHY, HEREDITARY SENSORY, TYPE IIA. Identifiers: Orphanet 970, MedGen C2752089, MONDO:0024309, OMIM 201300.
Pseudohypoaldosteronism type 2C (PHA2C). Also called: Pseudohypoaldosteronism Type IIC. Identifiers: Orphanet 757, Orphanet 88940, MedGen C1840391, MONDO:0013778, OMIM 614492.

Allele frequency attached by ClinVar (database versions not stated): gnomAD exomes 0.00001.
gnomAD v4.1: 5 of 1,614,224 alleles (0.00031%); highest among the groups gnomAD compares: East Asian, 0.011%; no homozygotes.

Submission:

Labcorp Genetics (formerly Invitae), Labcorp
Classification: Uncertain significance for Neuropathy, hereditary sensory and autonomic, type 2A; Pseudohypoaldosteronism type 2C. Last evaluated: 2022-11-01. Review status: criteria provided, single submitter. Criteria: Invitae Variant Classification Sherloc (09022015). Collection method: clinical testing. Allele origin: germline.
Comment: This variant is not present in population databases (gnomAD no frequency). This variant has not been reported in the literature in individuals affected with WNK1-related conditions. ClinVar contains an entry for this variant (Variation ID: 1426816). Advanced modeling of protein sequence and biophysical properties (such as structural, functional, and spatial information, amino acid conservation, physicochemical variation, residue mobility, and thermodynamic stability) performed at Invitae indicates that this missense variant is not expected to disrupt WNK1 protein function. In summary, the available evidence is currently insufficient to determine the role of this variant in disease. Therefore, it has been classified as a Variant of Uncertain Significance. This sequence change replaces histidine, which is basic and polar, with arginine, which is basic and polar, at codon 1345 of the WNK1 protein (p.His1345Arg).